The following is an entry in ClinVar:

ClinVar aggregate classification (germline): Uncertain significance (1 of 4 stars; one submission).

Conditions:
Malignant hyperthermia, susceptibility to, 1 (MHS1). Also called: Anesthesia related hyperthermia; Malignant hyperpyrexia; Fulminating hyperpyrexia; Pharmacogenic myopathy; RYR1-Related Malignant Hyperthermia Susceptibility; Malignant hyperthermia suceptibility 1. Identifiers: Orphanet 423, MedGen C2930980, MONDO:0007783, OMIM 145600.

Submission:

All of Us Research Program, National Institutes of Health
Classification: Uncertain significance for Malignant hyperthermia, susceptibility to, 1. Last evaluated: 2023-12-01. Review status: criteria provided, single submitter. Criteria: ACMG Guidelines, 2015. Collection method: clinical testing. Allele origin: germline. Inheritance: Autosomal dominant inheritance. Observed: 1 variant allele, 1 heterozygote.
Comment: This study involves interpretation of variants in research participants for the purpose of population health screening. Participant phenotype was not available at the time of variant classification. Additional details can be found in publication PMID: 35346344, PMCID: PMC8962531

NM_000540.3(RYR1):c.192T>G (p.Cys64Trp)

Gene: RYR1 (ryanodine receptor 1; plus strand). Cytogenetic location: 19q13.2.
Variant type: single nucleotide variant.
Coding change: c.192T>G on transcript NM_000540.3 (MANE Select); coding-DNA position 192, T replaced by G.
Protein change: p.Cys64Trp; replaces cysteine 64 with tryptophan.
Molecular consequence: missense variant.
Genome position (GRCh38, 1-based): chr19:38,442,375, T>G. VCF-style: chr19-38442375-T-G. GRCh37 (hg19) VCF-style: chr19-38933015-T-G.
Other names: c.192T>G, p.Cys64Trp (NM_001042723.2); short protein forms C64W.
Identifiers: ClinVar variation 3074423 (VCV003074423.1), dbSNP rs2513965512, ClinGen allele CA405673822.